The following is an entry in ClinVar:

ClinVar aggregate classification (germline): Likely pathogenic (1 of 4 stars; one submission).

Conditions:
Autosomal recessive limb-girdle muscular dystrophy type 2E (LGMDR4). Also called: MUSCULAR DYSTROPHY, LIMB-GIRDLE, AUTOSOMAL RECESSIVE 4. Identifiers: Orphanet 119, MedGen C1858593, MONDO:0011423, OMIM 604286. Disease mechanism: Affects gamma-sarcoglycan and also disrupts the integrity of the entire sarcoglycan complex..

Submission:

Natera, Inc.
Classification: Likely pathogenic for Limb-girdle muscular dystrophy type 2E. Last evaluated: 2025-09-30. Review status: criteria provided, single submitter. Criteria: Natera Variant Classification Schema (03/2026). Collection method: clinical testing. Allele origin: germline.
Comment: The c.806_807delinsA variant in SGCB is a frameshift variant predicted to shift the reading frame beginning at codon 269 and leads to a stop codon 32 codons downstream. This variant is expected to result in nonsense mediated decay, truncation, or a dysfunctional protein product. This variant is rare in the general population with a frequency below the threshold expected for the associated phenotype(s). Given the available evidence, this variant is classified as Likely Pathogenic.

NM_000232.5(SGCB):c.806_807delinsA (p.Pro269fs)

Gene: SGCB (sarcoglycan beta; minus strand). Cytogenetic location: 4q12.
Variant type: Indel.
Coding change: c.806_807delinsA on transcript NM_000232.5 (MANE Select); coding-DNA positions 806 to 807, CC replaced by A.
Protein change: p.Pro269fs; shifts the reading frame from proline 269.
Molecular consequence: frameshift variant.
Genome position (GRCh38, 1-based): chr4:52,024,107-52,024,108, GG replaced by T on the plus strand (CC replaced by A on the coding strand, the reverse complement: SGCB is on the minus strand). VCF-style: chr4-52024107-GG-T. GRCh37 (hg19) VCF-style: chr4-52890273-GG-T.
Other names: c.806_807delCCinsA, p.Pro269Glnfs (NM_000232.4); c.596_597delinsA, p.Pro199fs (NM_001440519.1); c.509_510delinsA, p.Pro170fs (NM_001440520.1); short protein forms P170fs, P199fs, P269fs.
Identifiers: ClinVar variation 4817951 (VCV004817951.1).
Genomic context (GRCh38, chr4:52,024,107, plus strand): 5'-CATGCAGAGCTTGTAGCGTACCCAGTCACCACTACCCAACTGGTCTCCACTGGAGGAACT[GG>T]GTAGGCGGGTGGTGCTGACCATCACAGATCCATTTAGGATGATACTGTTTTCCTATTAGG-3'